The following is an entry in ClinVar:

NM_000548.5(TSC2):c.4824C>G (p.Tyr1608Ter)

Gene: TSC2 (TSC complex subunit 2; plus strand). Cytogenetic location: 16p13.3.
Variant type: single nucleotide variant.
Coding change: c.4824C>G on transcript NM_000548.5 (MANE Select); coding-DNA position 4824, C replaced by G.
Protein change: p.Tyr1608Ter; replaces tyrosine 1608 with a stop codon.
Molecular consequence: nonsense.
Genome position (GRCh38, 1-based): chr16:2,086,354, C>G. VCF-style: chr16-2086354-C-G. GRCh37 (hg19) VCF-style: chr16-2136355-C-G.
Other names: c.4611C>G, p.Tyr1537Ter (NM_001406673.1); c.4608C>G, p.Tyr1536Ter (NM_001406675.1); c.4605C>G, p.Tyr1535Ter (NM_001406676.1); c.4566C>G, p.Tyr1522Ter (NM_001406677.1); c.4512C>G, p.Tyr1504Ter (NM_001406678.1); c.4476C>G, p.Tyr1492Ter (NM_001406679.1); c.4224C>G, p.Tyr1408Ter (NM_001406680.1); c.4164C>G, p.Tyr1388Ter (NM_001406681.1); and 26 more; short protein forms Y1094*, Y1116*, Y1137*, Y1492*, Y1493*, Y1535*, Y1537*, Y1541*.
Identifiers: ClinVar variation 2073389 (VCV002073389.4), dbSNP rs1422829075, ClinGen allele CA394308102.

ClinVar aggregate classification (germline): Pathogenic (1 of 4 stars; one submission).

Conditions:
Tuberous sclerosis 2 (TSC2). Identifiers: Orphanet 805, MedGen C1860707, MONDO:0013199, OMIM 613254.

Submission:

Labcorp Genetics (formerly Invitae), Labcorp
Classification: Pathogenic for Tuberous sclerosis 2. Last evaluated: 2022-08-23. Review status: criteria provided, single submitter. Criteria: Invitae Variant Classification Sherloc (09022015). Collection method: clinical testing. Allele origin: germline.
Comment: For these reasons, this variant has been classified as Pathogenic. This premature translational stop signal has been observed in individual(s) with tuberous sclerosis complex (PMID: 27859028). This variant is not present in population databases (gnomAD no frequency). This sequence change creates a premature translational stop signal (p.Tyr1608*) in the TSC2 gene. It is expected to result in an absent or disrupted protein product. Loss-of-function variants in TSC2 are known to be pathogenic (PMID: 10205261, 17304050).

Literature cited by the submitters: PubMed 27859028; PubMed 10205261; PubMed 17304050.